The following is an entry in ClinVar:

ClinVar aggregate classification (germline): Uncertain significance (1 of 4 stars; one submission).

Conditions:
Charcot-Marie-Tooth disease X-linked dominant 1. Also called: CHARCOT-MARIE-TOOTH NEUROPATHY, X-LINKED, 1; CHARCOT-MARIE-TOOTH PERONEAL MUSCULAR ATROPHY, X-LINKED; HEREDITARY MOTOR AND SENSORY NEUROPATHY, X-LINKED; HMSN, X-LINKED; Charcot-Marie-Tooth Neuropathy X Type 1; GJB1 Disorders: Charcot-Marie-Tooth Neuropathy (CMT1X) and Central Nervous System Phenotypes. Identifiers: Orphanet 101075, MedGen C0393808, MONDO:0010549, OMIM 302800.

Submission:

ARUP Laboratories, Molecular Genetics and Genomics, ARUP Laboratories
Classification: Uncertain significance for Charcot-Marie-Tooth disease X-linked dominant 1. Last evaluated: 2021-03-09. Review status: criteria provided, single submitter. Criteria: ARUP Molecular Germline Variant Investigation Process 2021. Collection method: clinical testing. Allele origin: germline.
Comment: The GJB1 c.287C>T; p.Ala96Val variant is reported in the literature in an individual affected with Charcot-Marie-Tooth (CMT) disease (Gouvea 2019). This variant is absent from general population databases (Exome Variant Server, Genome Aggregation Database), indicating it is not a common polymorphism. The alanine at codon 96 is highly conserved, and computational analyses predict that this variant is deleterious (REVEL: 0.783). Additionally, other amino acid substitutions at this codon (p.Ala96Gly, p.Ala96Pro) have been reported in individuals with CMT disease and are considered disease-causing (Hong 2017, MIlley 2016, Nam 2016). However, due to limited information, the clinical significance of the p.Ala96Val variant is uncertain at this time. References: Gouvea et al., New novel mutations in Brazilian families with X-linked Charcot-Marie-Tooth disease. J Peripher Nerv Syst 2019 Jun;24(2):207-212. Hong YB et al. Clinical characterization and genetic analysis of Korean patients with X-linked Charcot-Marie-Tooth disease type 1. J Peripher Nerv Syst. 2017 Sep;22(3):172-181. Milley GM et al. Three novel mutations and genetic epidemiology analysis of the Gap Junction Beta 1 (GJB1) gene among Hungarian Charcot-Marie-Tooth disease patients. Neuromuscul Disord. 2016 Oct;26(10):706-711. Nam SH et al. Identification of Genetic Causes of Inherited Peripheral Neuropathies by Targeted Gene Panel Sequencing. Mol Cells. 2016 May 31;39(5):382-8.

NM_000166.6(GJB1):c.287C>T (p.Ala96Val)

Gene: GJB1 (gap junction protein beta 1; plus strand). Cytogenetic location: Xq13.1.
Variant type: single nucleotide variant.
Coding change: c.287C>T on transcript NM_000166.6 (MANE Select); coding-DNA position 287, C replaced by T.
Protein change: p.Ala96Val; replaces alanine 96 with valine.
Molecular consequence: missense variant.
Genome position (GRCh38, 1-based): chrX:71,223,994, C>T. VCF-style: chrX-71223994-C-T. GRCh37 (hg19) VCF-style: chrX-70443844-C-T.
Other names: c.287C>T, p.Ala96Val (NM_001097642.3); short protein forms A96V.
Identifiers: ClinVar variation 1330874 (VCV001330874.7), dbSNP rs11551260, ClinGen allele CA413501782.
Genomic context (GRCh38, chrX:71,223,994, plus strand): 5'-TGTGGTCCCTGCAGCTCATCCTAGTTTCCACCCCAGCTCTCCTCGTGGCCATGCACGTGG[C>T]TCACCAGCAACACATAGAGAAGAAAATGCTACGGCTTGAGGGCCATGGGGACCCCCTACA-3'
Protein context (NP_000157.1, residues 86-106): TPALLVAMHV[Ala96Val]HQQHIEKKML